The following is an entry in ClinVar:

NM_000742.4(CHRNA2):c.177G>C (p.Glu59Asp)

Gene: CHRNA2 (cholinergic receptor nicotinic alpha 2 subunit; minus strand). Cytogenetic location: 8p21.2.
Variant type: single nucleotide variant.
Coding change: c.177G>C on transcript NM_000742.4 (MANE Select); coding-DNA position 177, G replaced by C.
Protein change: p.Glu59Asp; replaces glutamic acid 59 with aspartic acid.
Molecular consequence: missense variant. On other transcripts: 5 prime UTR variant (4).
Genome position (GRCh38, 1-based): chr8:27,469,878, C>G on the plus strand (G>C on the coding strand, the complement: CHRNA2 is on the minus strand). VCF-style: chr8-27469878-C-G. GRCh37 (hg19) VCF-style: chr8-27327395-C-G.
Other names: c.177G>C, p.Glu59Asp (NM_001282455.2); c.-251G>C (NM_001347705.2); c.-296G>C (NM_001347706.2); c.-237G>C (NM_001347707.2); c.-285G>C (NM_001347708.2); short protein forms E59D.
Identifiers: ClinVar variation 2058773 (VCV002058773.5), dbSNP rs2490576235, ClinGen allele CA370813178.
Genomic context (GRCh38, chr8:27,469,878, plus strand): 5'-GTTGGGCACCGGGCGCGCCCAGCGGTTGTAGCCCCGGAAGAGGTGTTTGAAGAGCCGGTC[C>G]TCAGTCTCGGTATGCGAGCCTCCCTGCGGCAATGCCGTGGGACTGGGAGAGGAGAGTGGG-3'
Protein context (NP_000733.2, residues 49-69): LPQGGSHTET[Glu59Asp]DRLFKHLFRG

ClinVar aggregate classification (germline): Uncertain significance. Review status: criteria provided, multiple submitters, no conflicts (2 of 4 stars). 2 submissions from 2 submitters: Uncertain significance (2). Last evaluated 2024-03-10.

Conditions:
Familial sleep-related hypermotor epilepsy. Also called: Autosomal Dominant Sleep-Related Hypermotor (Hyperkinetic) Epilepsy. Identifiers: Orphanet 98784, MedGen C3696898, MONDO:0000030.

Submissions (2):

Labcorp Genetics (formerly Invitae), Labcorp
Classification: Uncertain significance. Last evaluated: 2024-03-10. Review status: criteria provided, single submitter. Criteria: Invitae Variant Classification Sherloc (09022015). Collection method: clinical testing. Allele origin: germline.
Comment: This sequence change replaces glutamic acid, which is acidic and polar, with aspartic acid, which is acidic and polar, at codon 59 of the CHRNA2 protein (p.Glu59Asp). This variant is not present in population databases (gnomAD no frequency). This variant has not been reported in the literature in individuals affected with CHRNA2-related conditions. ClinVar contains an entry for this variant (Variation ID: 2058773). Advanced modeling of protein sequence and biophysical properties (such as structural, functional, and spatial information, amino acid conservation, physicochemical variation, residue mobility, and thermodynamic stability) performed at Invitae indicates that this missense variant is expected to disrupt CHRNA2 protein function with a positive predictive value of 80%. In summary, the available evidence is currently insufficient to determine the role of this variant in disease. Therefore, it has been classified as a Variant of Uncertain Significance.

Women's Health and Genetics/Laboratory Corporation of America, LabCorp
Classification: Uncertain significance. Last evaluated: 2023-12-21. Review status: criteria provided, single submitter. Criteria: LabCorp Variant Classification Summary - May 2015. Collection method: clinical testing. Allele origin: germline.
Comment: Variant summary: CHRNA2 c.177G>C (p.Glu59Asp) results in a conservative amino acid change located in the Neurotransmitter-gated ion-channel ligand-binding domain (IPR006202) of the encoded protein sequence. Three of five in-silico tools predict a damaging effect of the variant on protein function. The variant was absent in 251408 control chromosomes. The available data on variant occurrences in the general population are insufficient to allow any conclusion about variant significance. To our knowledge, no occurrence of c.177G>C in individuals affected with Autosomal Dominant Nocturnal Frontal Lobe Epilepsy 4 and no experimental evidence demonstrating its impact on protein function have been reported. One submitter has cited clinical-significance assessments for this variant to ClinVar after 2014 and has classified the variant as uncertain significance. Based on the evidence outlined above, the variant was classified as uncertain significance.